The following is an entry in ClinVar:

ClinVar aggregate classification (germline): Uncertain significance (1 of 4 stars; one submission).

Submission:

GeneDx
Classification: Uncertain significance. Last evaluated: 2022-03-07. Review status: criteria provided, single submitter. Criteria: GeneDx Variant Classification Process June 2021. Collection method: clinical testing. Allele origin: germline. Affected: yes.
Comment: Not observed at significant frequency in large population cohorts (gnomAD); In silico analysis supports that this missense variant does not alter protein structure/function; Has not been previously published as pathogenic or benign to our knowledge; Variants in candidate genes are classified as variants of uncertain significance in accordance with ACMG guidelines (Richards et al., 2015)

NM_001286445.3(RIPOR2):c.1960G>A (p.Glu654Lys)

Gene: RIPOR2 (RHO family interacting cell polarization regulator 2; minus strand). Cytogenetic location: 6p22.3.
Variant type: single nucleotide variant.
Coding change: c.1960G>A on transcript NM_001286445.3 (MANE Select); coding-DNA position 1960, G replaced by A.
Protein change: p.Glu654Lys; replaces glutamic acid 654 with lysine.
Molecular consequence: missense variant.
Genome position (GRCh38, 1-based): chr6:24,839,170, C>T on the plus strand (G>A on the coding strand, the complement: RIPOR2 is on the minus strand). VCF-style: chr6-24839170-C-T. GRCh37 (hg19) VCF-style: chr6-24839398-C-T.
Other names: c.1873G>A, p.Glu625Lys (NM_001346031.2, NM_001346032.2); c.2023G>A, p.Glu675Lys (NM_014722.5); short protein forms E625K, E654K, E675K.
Identifiers: ClinVar variation 3342436 (VCV003342436.1).
Genomic context (GRCh38, chr6:24,839,170, plus strand): 5'-TGTCTGAAAATACTGAGTCAGCACCTCCGCCAACATTACAAACCTCATCACCATCCTCCT[C>T]CTCGTCAAAATCAGAGGTGTTCAGGAAATCAAAGCTTTCTAAAGCACTTTCAACTGTGAG-3'
Protein context (NP_001273374.1, residues 644-664): DFLNTSDFDE[Glu654Lys]EDGDEVCNVG